The following is an entry in ClinVar:

NM_201253.3(CRB1):c.2501G>A (p.Gly834Asp)

Gene: CRB1 (crumbs cell polarity complex component 1; plus strand). Cytogenetic location: 1q31.3.
Variant type: single nucleotide variant.
Coding change: c.2501G>A on transcript NM_201253.3 (MANE Select); coding-DNA position 2501, G replaced by A.
Protein change: p.Gly834Asp; replaces glycine 834 with aspartic acid.
Molecular consequence: missense variant. On other transcripts: non-coding transcript variant (2), intron variant (1).
Genome position (GRCh38, 1-based): chr1:197,427,826, G>A. VCF-style: chr1-197427826-G-A. GRCh37 (hg19) VCF-style: chr1-197396956-G-A.
Other names: c.2165G>A, p.Gly722Asp (NM_001193640.2); c.2294G>A, p.Gly765Asp (NM_001257965.2); c.2128+5870G>A (NM_001257966.2); short protein forms G834D, G722D, G765D.
Identifiers: ClinVar variation 427127 (VCV000427127.11), dbSNP rs1085307972, ClinGen allele CA344037829.

ClinVar aggregate classification (germline): Pathogenic/Likely pathogenic. Review status: criteria provided, multiple submitters, no conflicts (2 of 4 stars). 7 submissions from 6 submitters: Pathogenic (1); Likely pathogenic (6). Last evaluated 2025-08-11.

Conditions:
Leber congenital amaurosis 8 (LCA8). Identifiers: Orphanet 65, MedGen C3151202, MONDO:0013453, OMIM 613835.
Retinitis pigmentosa 12 (RP12). Also called: RP WITH OR WITHOUT PPRPE; RP WITH OR WITHOUT PRESERVED PARAARTERIOLE RETINAL PIGMENT EPITHELIUM; RETINITIS PIGMENTOSA WITH OR WITHOUT PARAARTERIOLAR PRESERVATION OF RETINAL PIGMENT EPITHELIUM. Identifiers: Orphanet 791, MedGen C1838647, MONDO:0010818, OMIM 600105.
CRB1-related disorder. Also called: CRB1-related disorders; CRB1-related condition.
Autosomal recessive CRB1-related disorders.
Leber congenital amaurosis (LCA). Also called: Leber's amaurosis. Identifiers: Orphanet 65, MedGen C0339527, MeSH D057130, MONDO:0018998.

Allele frequency attached by ClinVar (database versions not stated): gnomAD exomes below 0.00001; TOPMed 0.00001.
gnomAD v4.1: 4 of 1,613,974 alleles (0.00025%); highest among the groups gnomAD compares: Admixed American, 0.0033%; no homozygotes.

Submissions (7):

Natera, Inc.
Classification: Likely pathogenic for Leber congenital amaurosis. Last evaluated: 2025-08-11. Review status: criteria provided, single submitter. Criteria: Natera Variant Classification Schema (03/2026). Collection method: clinical testing. Allele origin: germline.
Comment: The c.2501G>A variant in CRB1 is a missense variant predicted to cause substitution of glycine to aspartic acid at amino acid 834. This variant is rare in the general population with a frequency below the threshold expected for the associated phenotype(s). This variant has been observed in one or more individuals affected with the associated recessive disease, as either homozygous or compound heterozygous with a second variant (PMID: 26667666, 32141364). Computational prediction algorithms indicate this variant is likely to affect gene or protein function. Given the available evidence, this variant is classified as Likely Pathogenic.

Variantyx, Inc.
Classification: Likely pathogenic for Autosomal recessive CRB1-related disorders. Last evaluated: 2025-07-28. Review status: criteria provided, single submitter. Criteria: Variantyx Assertion Criteria 2022. Collection method: clinical testing. Allele origin: germline. Inheritance: Autosomal recessive inheritance. Affected: yes.
Comment: This is a nonsynonymous variant in the CRB1 gene (OMIM: 604210). Pathogenic variants in this gene have been associated with autosomal recessive CRB1-related disorders. It lies within a known hotspot for pathogenic variants or a well-established critical functional domain of the CRB1 protein (PM1). Multiple computational algorithms predict a deleterious effect for this variant (REVEL score: 0.827) (PP3). This variant has a 0.0045% maximum allele frequency in non-founder control populations (PM2). Based on the current evidence, this variant is classified as likely pathogenic for autosomal recessive CRB1-related disorders.

Labcorp Genetics (formerly Invitae), Labcorp
Classification: Pathogenic for Leber congenital amaurosis 8; Retinitis pigmentosa 12. Last evaluated: 2025-05-25. Review status: criteria provided, single submitter. Criteria: Invitae Variant Classification Sherloc (09022015). Collection method: clinical testing. Allele origin: germline.
Comment: This sequence change replaces glycine, which is neutral and non-polar, with aspartic acid, which is acidic and polar, at codon 834 of the CRB1 protein (p.Gly834Asp). This variant is present in population databases (no rsID available, gnomAD 0.003%). This missense change has been observed in individuals with CRB1-related conditions (PMID: 26667666, 32141364; internal data). ClinVar contains an entry for this variant (Variation ID: 427127). Invitae Evidence Modeling of protein sequence and biophysical properties (such as structural, functional, and spatial information, amino acid conservation, physicochemical variation, residue mobility, and thermodynamic stability) indicates that this missense variant is expected to disrupt CRB1 protein function with a positive predictive value of 95%. For these reasons, this variant has been classified as Pathogenic.

Genome-Nilou Lab
Classification: Likely pathogenic for Leber congenital amaurosis 8. Last evaluated: 2023-04-11. Review status: criteria provided, single submitter. Criteria: ACMG Guidelines, 2015. Collection method: clinical testing. Allele origin: germline. Affected: no.

Genome-Nilou Lab
Classification: Likely pathogenic for Retinitis pigmentosa 12. Last evaluated: 2023-04-11. Review status: criteria provided, single submitter. Criteria: ACMG Guidelines, 2015. Collection method: clinical testing. Allele origin: germline. Affected: no.

Blueprint Genetics
Classification: Likely pathogenic for CRB1-related disorders. Last evaluated: 2020-04-08. Review status: criteria provided, single submitter. Criteria: ACMG Guidelines, 2015. Collection method: clinical testing. Allele origin: germline. Affected: yes. Observed: 3 variant alleles.

GeneDx
Classification: Likely pathogenic. Last evaluated: 2015-05-26. Review status: criteria provided, single submitter. Criteria: GeneDx Variant Classification (06012015). Collection method: clinical testing. Allele origin: germline. Affected: yes.
Comment: The G834D variant has not been published as a pathogenic variant, nor has it been reported as a benign polymorphism to our knowledge. The G834D variant was not observed in approximately 6,500 individuals of European and African American ancestry in the NHLBI Exome Sequencing Project, indicating it is not a common benign variant in these populations. The G834D variant is a non-conservative amino acid substitution, which is likely to impact secondary protein structure as these residues differ in polarity, charge, size and/or other properties. This substitution occurs at a position that is conserved across species. In silico analysis is inconsistent in its predictions as to whether or not the variant is damaging to the protein structure/function. Missense variants in nearby residues (I830F, G833D, P836T, D837H) have been reported in the Human Gene Mutation Database in association with Retinitis pigmentosa and nanophthalmos and optic disc drusen (Stenson et al., 2014), supporting the functional importance of this region of the protein. Therefore, this variant is a strong candidate for a pathogenic variant; however, the possibility that it is a benign variant cannot be excluded.

Literature cited by the submitters: PubMed 26667666 (cited by 3 submitters); PubMed 32141364 (cited by 3 submitters).